The following is an entry in ClinVar:

NM_001382391.1(CSPP1):c.3470-20G>T

Genes: ARFGEF1 (ARF guanine nucleotide exchange factor 1; minus strand), CSPP1 (centrosome and spindle pole associated protein 1; plus strand). Cytogenetic location: 8q13.2.
Variant type: single nucleotide variant.
Coding change: c.3470-20G>T on transcript NM_001382391.1 (MANE Select); 20 bases into the intron before coding-DNA position 3470, G replaced by T.
Molecular consequence: intron variant.
Genome position (GRCh38, 1-based): chr8:67,195,362, G>T. VCF-style: chr8-67195362-G-T. GRCh37 (hg19) VCF-style: chr8-68107597-G-T.
Other names: c.3275-20G>T (NM_001363132.2); c.3389-20G>T (NM_001363131.2); c.3194-20G>T (NM_001363133.2); c.3536-20G>T (NM_001364869.1); c.3455-20G>T (NM_024790.7); c.3316-20G>T (NM_001438331.1); c.3302-20G>T (NM_001438330.1); c.3356-20G>T (NM_001364870.1); and 4 more.
Identifiers: ClinVar variation 515027 (VCV000515027.11), dbSNP rs148896413, ClinGen allele CA4771189.

ClinVar aggregate classification (germline): Benign/Likely benign. Review status: criteria provided, multiple submitters, no conflicts (2 of 4 stars). 3 submissions from 3 submitters: Benign (1); Likely benign (2). Last evaluated 2026-01-22.

Conditions:
Joubert syndrome 21 (JBTS21). Identifiers: MedGen C3810212, MONDO:0014288, OMIM 615636.

Allele frequency attached by ClinVar (database versions not stated): 1000 Genomes Project 0.00180; gnomAD 0.00076; gnomAD exomes 0.00018; ESP Exome Variant Server 0.00063; 1000 Genomes Project 30x 0.00172.
gnomAD v4.1: 259 of 1,580,170 alleles (0.016%); highest among the groups gnomAD compares: African/African-American, 0.28%; 1 homozygote.

Submissions (3):

Labcorp Genetics (formerly Invitae), Labcorp
Classification: Benign for Joubert syndrome 21. Last evaluated: 2026-01-22. Review status: criteria provided, single submitter. Criteria: Invitae Variant Classification Sherloc (09022015). Collection method: clinical testing. Allele origin: germline.

Blueprint Genetics
Classification: Likely benign. Last evaluated: 2024-10-21. Review status: criteria provided, single submitter. Criteria: ACMG Guidelines, 2015. Collection method: clinical testing. Allele origin: germline.

GeneDx
Classification: Likely benign. Last evaluated: 2018-01-18. Review status: criteria provided, single submitter. Criteria: GeneDx Variant Classification (06012015). Collection method: clinical testing. Allele origin: germline. Affected: yes.
Comment: This variant is considered likely benign or benign based on one or more of the following criteria: it is a conservative change, it occurs at a poorly conserved position in the protein, it is predicted to be benign by multiple in silico algorithms, and/or has population frequency not consistent with disease.